The following is an entry in ClinVar:

NM_001605.3(AARS1):c.601G>A (p.Ala201Thr)

Gene: AARS1 (alanyl-tRNA synthetase 1; minus strand). Cytogenetic location: 16q22.1.
Variant type: single nucleotide variant.
Coding change: c.601G>A on transcript NM_001605.3 (MANE Select); coding-DNA position 601, G replaced by A.
Protein change: p.Ala201Thr; replaces alanine 201 with threonine.
Molecular consequence: missense variant.
Genome position (GRCh38, 1-based): chr16:70,271,851, C>T on the plus strand (G>A on the coding strand, the complement: AARS1 is on the minus strand). VCF-style: chr16-70271851-C-T. GRCh37 (hg19) VCF-style: chr16-70305754-C-T.
Other names: short protein forms A201T.
Identifiers: ClinVar variation 565885 (VCV000565885.13), dbSNP rs760716722, ClinGen allele CA8141091.

ClinVar aggregate classification (germline): Uncertain significance. Review status: criteria provided, multiple submitters, no conflicts (2 of 4 stars). 4 submissions from 4 submitters: Uncertain significance (4). Last evaluated 2025-09-10.

Conditions:
Inborn genetic diseases. Identifiers: MedGen C0950123, MeSH D030342.
Charcot-Marie-Tooth disease type 2. Also called: Charcot-Marie-Tooth type 2. Identifiers: Orphanet 64746, MedGen C0270914, MONDO:0018993.

Allele frequency attached by ClinVar (database versions not stated): TOPMed 0.00001; gnomAD exomes 0.00002 and 0.00004; ExAC 0.00004.
gnomAD v4.1: 33 of 1,613,974 alleles (0.002%); highest among the groups gnomAD compares: Admixed American, 0.005%; no homozygotes.

Submissions (4):

Labcorp Genetics (formerly Invitae), Labcorp
Classification: Uncertain significance for Charcot-Marie-Tooth disease type 2. Last evaluated: 2025-09-10. Review status: criteria provided, single submitter. Criteria: Invitae Variant Classification Sherloc (09022015). Collection method: clinical testing. Allele origin: germline.
Comment: This sequence change replaces alanine, which is neutral and non-polar, with threonine, which is neutral and polar, at codon 201 of the AARS protein (p.Ala201Thr). This variant is present in population databases (rs760716722, gnomAD 0.005%). This missense change has been observed in individual(s) with clinical features of AARS-related conditions (PMID: 37820178). ClinVar contains an entry for this variant (Variation ID: 565885). Invitae Evidence Modeling of protein sequence and biophysical properties (such as structural, functional, and spatial information, amino acid conservation, physicochemical variation, residue mobility, and thermodynamic stability) indicates that this missense variant is not expected to disrupt AARS protein function with a negative predictive value of 95%. In summary, the available evidence is currently insufficient to determine the role of this variant in disease. Therefore, it has been classified as a Variant of Uncertain Significance.

Women's Health and Genetics/Laboratory Corporation of America, LabCorp
Classification: Uncertain significance. Last evaluated: 2025-06-27. Review status: criteria provided, single submitter. Criteria: LabCorp Variant Classification Summary - May 2015. Collection method: clinical testing. Allele origin: germline.
Comment: Variant summary: AARS1 c.601G>A (p.Ala201Thr) results in a non-conservative amino acid change in the encoded protein sequence. Algorithms developed to predict the effect of missense changes on protein structure and function are either unavailable or do not agree on the potential impact of this missense change. The variant allele was found at a frequency of 3.6e-05 in 251474 control chromosomes. The available data on variant occurrences in the general population are insufficient to allow any conclusion about variant significance. c.601G>A has been observed in individual(s) affected with epilepsy (Baris_2023). These report(s) do not provide unequivocal conclusions about association of the variant with Developmental and epileptic encephalopathy, 29. To our knowledge, no experimental evidence demonstrating an impact on protein function has been reported. The following publication has been ascertained in the context of this evaluation (PMID: 37820178). ClinVar contains an entry for this variant (Variation ID: 565885). Based on the evidence outlined above, the variant was classified as uncertain significance.

Ambry Genetics
Classification: Uncertain significance for Inborn genetic diseases. Last evaluated: 2023-12-09. Review status: criteria provided, single submitter. Criteria: Ambry Variant Classification Scheme 2023. Collection method: clinical testing. Allele origin: germline.

Breakthrough Genomics
Classification: Uncertain significance. Review status: criteria provided, single submitter. Criteria: ACMG Guidelines, 2015. Collection method: not provided. Allele origin: germline. Inheritance: Autosomal recessive inheritance. Affected: yes.

Literature cited by the submitters: PubMed 37820178 (cited by Labcorp Genetics (formerly Invitae), Labcorp and Women's Health and Genetics/Laboratory Corporation of America, LabCorp).